The following is an entry in ClinVar:

NM_139057.4(ADAMTS17):c.650G>A (p.Arg217Gln)

Gene: ADAMTS17 (ADAM metallopeptidase with thrombospondin type 1 motif 17; minus strand). Cytogenetic location: 15q26.3.
Variant type: single nucleotide variant.
Coding change: c.650G>A on transcript NM_139057.4 (MANE Select); coding-DNA position 650, G replaced by A.
Protein change: p.Arg217Gln; replaces arginine 217 with glutamine.
Molecular consequence: missense variant.
Genome position (GRCh38, 1-based): chr15:100,281,368, C>T on the plus strand (G>A on the coding strand, the complement: ADAMTS17 is on the minus strand). VCF-style: chr15-100281368-C-T. GRCh37 (hg19) VCF-style: chr15-100821573-C-T.
Other names: short protein forms R217Q.
Identifiers: ClinVar variation 1493021 (VCV001493021.4), dbSNP rs779835157, ClinGen allele CA7758627.

ClinVar aggregate classification (germline): Uncertain significance (1 of 4 stars; one submission).

Allele frequency attached by ClinVar (database versions not stated): gnomAD 0.00001; TOPMed 0.00002; gnomAD exomes 0.00003 and 0.00004; ExAC 0.00004.
gnomAD v4.1: 60 of 1,612,632 alleles (0.0037%); highest among the groups gnomAD compares: Non-Finnish European, 0.0046%; no homozygotes.

Submission:

Labcorp Genetics (formerly Invitae), Labcorp
Classification: Uncertain significance. Last evaluated: 2022-11-04. Review status: criteria provided, single submitter. Criteria: Invitae Variant Classification Sherloc (09022015). Collection method: clinical testing. Allele origin: germline.
Comment: In summary, the available evidence is currently insufficient to determine the role of this variant in disease. Therefore, it has been classified as a Variant of Uncertain Significance. Algorithms developed to predict the effect of missense changes on protein structure and function output the following: SIFT: "Not Available"; PolyPhen-2: "Benign"; Align-GVGD: "Not Available". The glutamine amino acid residue is found in multiple mammalian species, which suggests that this missense change does not adversely affect protein function. ClinVar contains an entry for this variant (Variation ID: 1493021). This variant has not been reported in the literature in individuals affected with ADAMTS17-related conditions. This variant is present in population databases (rs779835157, gnomAD 0.01%). This sequence change replaces arginine, which is basic and polar, with glutamine, which is neutral and polar, at codon 217 of the ADAMTS17 protein (p.Arg217Gln).